The following is an entry in ClinVar:

NM_024513.4(FYCO1):c.3419G>A (p.Arg1140Gln)

Gene: FYCO1 (FYVE and coiled-coil domain autophagy adaptor 1; minus strand). Cytogenetic location: 3p21.31.
Variant type: single nucleotide variant.
Coding change: c.3419G>A on transcript NM_024513.4 (MANE Select); coding-DNA position 3419, G replaced by A.
Protein change: p.Arg1140Gln; replaces arginine 1140 with glutamine.
Molecular consequence: missense variant.
Genome position (GRCh38, 1-based): chr3:45,962,243, C>T on the plus strand (G>A on the coding strand, the complement: FYCO1 is on the minus strand). VCF-style: chr3-45962243-C-T. GRCh37 (hg19) VCF-style: chr3-46003735-C-T.
Other names: short protein forms R1140Q.
Identifiers: ClinVar variation 261731 (VCV000261731.20), dbSNP rs41289620, ClinGen allele CA2352798.

ClinVar aggregate classification (germline): Benign/Likely benign. Review status: criteria provided, multiple submitters, no conflicts (2 of 4 stars). 7 submissions from 7 submitters: Benign (3); Likely benign (2). 2 of the submissions do not count toward it. Last evaluated 2026-01-19.

Conditions:
Cataract 18 (CATC2). Also called: CATARACT 18, AUTOSOMAL RECESSIVE. Identifiers: Orphanet 91492, Orphanet 98991, Orphanet 98992, Orphanet 98995, MedGen C1864908, MONDO:0012395, OMIM 610019.

Allele frequency attached by ClinVar (database versions not stated): 1000 Genomes Project 30x 0.00562; 1000 Genomes Project 0.00599; ESP Exome Variant Server 0.00823; TOPMed 0.00861; gnomAD 0.00981; ExAC 0.01043; gnomAD exomes 0.01073 and 0.01093.
gnomAD v4.1: 17,104 of 1,614,124 alleles (1.1%); highest among the groups gnomAD compares: Admixed American, 1.8%; 119 homozygotes.

Submissions (7):

Labcorp Genetics (formerly Invitae), Labcorp
Classification: Benign for Cataract 18. Last evaluated: 2026-01-19. Review status: criteria provided, single submitter. Criteria: Invitae Variant Classification Sherloc (09022015). Collection method: clinical testing. Allele origin: germline.

GeneDx
Classification: Likely benign. Last evaluated: 2020-05-11. Review status: criteria provided, single submitter. Criteria: GeneDx Variant Classification Process June 2021. Collection method: clinical testing. Allele origin: germline. Affected: yes.

Illumina Laboratory Services, Illumina
Classification: Benign for Cataract 18. Last evaluated: 2018-01-13. Review status: criteria provided, single submitter. Criteria: ICSL Variant Classification Criteria 13 December 2019. Collection method: clinical testing. Allele origin: germline.
Comment: This variant was observed in the ICSL laboratory as part of a predisposition screen in an ostensibly healthy population. It had not been previously curated by ICSL or reported in the Human Gene Mutation Database (HGMD: prior to June 1st, 2018), and was therefore a candidate for classification through an automated scoring system. Utilizing variant allele frequency, disease prevalence and penetrance estimates, and inheritance mode, an automated score was calculated to assess if this variant is too frequent to cause the disease. Based on the score and internal cut-off values, a variant classified as benign is not then subjected to further curation. The score for this variant resulted in a classification of benign for this disease.

Breakthrough Genomics
Classification: Likely benign. Review status: criteria provided, single submitter. Criteria: ACMG Guidelines, 2015. Collection method: not provided. Allele origin: germline. Inheritance: Autosomal recessive inheritance. Affected: yes.

PreventionGenetics, part of Exact Sciences
Classification: Benign. Review status: criteria provided, single submitter. Criteria: ACMG Guidelines, 2015. Collection method: clinical testing. Allele origin: germline.

Clinical Genetics DNA and cytogenetics Diagnostics Lab, Erasmus MC, Erasmus Medical Center
Classification: Likely benign. Review status: no assertion criteria provided. Collection method: clinical testing. Allele origin: germline. Affected: yes. Study: VKGL Data-share Consensus. Not counted in ClinVar's aggregate classification.

Laboratory of Diagnostic Genome Analysis, Leiden University Medical Center (LUMC)
Classification: Likely benign. Review status: no assertion criteria provided. Collection method: clinical testing. Allele origin: germline. Affected: yes. Study: VKGL Data-share Consensus. Not counted in ClinVar's aggregate classification.